The following is an entry in ClinVar:

ClinVar aggregate classification (germline): Uncertain significance (1 of 4 stars; one submission).

Conditions:
Cardiovascular phenotype. Identifiers: MedGen CN230736.

gnomAD v4.1: 10 of 1,613,872 alleles (0.00062%); highest among the groups gnomAD compares: Admixed American, 0.0033%; no homozygotes.

Submission:

Ambry Genetics
Classification: Uncertain significance for Cardiovascular phenotype. Last evaluated: 2025-10-07. Review status: criteria provided, single submitter. Criteria: Ambry Variant Classification Scheme 2023. Collection method: clinical testing. Allele origin: germline.
Comment: The p.R216Q variant (also known as c.647G>A), located in coding exon 7 of the CACNA2D1 gene, results from a G to A substitution at nucleotide position 647. The arginine at codon 216 is replaced by glutamine, an amino acid with highly similar properties. This amino acid position is highly conserved in available vertebrate species. In addition, this alteration is predicted to be deleterious by in silico analysis. The evidence for this gene-disease relationship is limited; therefore, the clinical significance of this alteration is unclear.

NM_000722.4(CACNA2D1):c.647G>A (p.Arg216Gln)

Gene: CACNA2D1 (calcium voltage-gated channel auxiliary subunit alpha2delta 1; minus strand). Cytogenetic location: 7q21.11.
Variant type: single nucleotide variant.
Coding change: c.647G>A on transcript NM_000722.4 (MANE Select); coding-DNA position 647, G replaced by A.
Protein change: p.Arg216Gln; replaces arginine 216 with glutamine.
Molecular consequence: missense variant.
Genome position (GRCh38, 1-based): chr7:82,084,780, C>T on the plus strand (G>A on the coding strand, the complement: CACNA2D1 is on the minus strand). VCF-style: chr7-82084780-C-T. GRCh37 (hg19) VCF-style: chr7-81714096-C-T.
Other names: c.647G>A, p.Arg216Gln (NM_001302890.2, NM_001366867.1); short protein forms R216Q.
Identifiers: ClinVar variation 4613770 (VCV004613770.1).